The following is an entry in ClinVar:

ClinVar aggregate classification (germline): Likely benign. Review status: criteria provided, multiple submitters, no conflicts (2 of 4 stars). 3 submissions from 3 submitters: Likely benign (3). Last evaluated 2025-08-01.

Allele frequency attached by ClinVar (database versions not stated): ExAC 0.00165; gnomAD exomes 0.00166 and 0.00108; ESP Exome Variant Server 0.00069; gnomAD 0.00086 and 0.00100; 1000 Genomes Project 30x 0.00109; TOPMed 0.00110; 1000 Genomes Project 0.00120.
gnomAD v4.1: 1,777 of 1,612,038 alleles (0.11%); highest among the groups gnomAD compares: Middle Eastern, 0.94%; 11 homozygotes.

Submissions (8):

CeGaT Center for Human Genetics Tuebingen
Classification: Likely benign. Last evaluated: 2025-08-01. Review status: criteria provided, single submitter. Criteria: CeGaT Center For Human Genetics Tuebingen Variant Classification Criteria Version 2. Collection method: clinical testing. Allele origin: germline. Affected: yes. Observed: 1 variant allele.
Comment: PIK3CB: BS2

Labcorp Genetics (formerly Invitae), Labcorp
Classification: Likely benign. Last evaluated: 2019-12-31. Review status: criteria provided, single submitter. Criteria: Invitae Variant Classification Sherloc (09022015). Collection method: clinical testing. Allele origin: germline.

Breakthrough Genomics
Classification: Likely benign. Review status: criteria provided, single submitter. Criteria: ACMG Guidelines, 2015. Collection method: not provided. Allele origin: germline. Inheritance: Unknown mechanism. Affected: yes.

Dr. Peter K. Rogan Lab, Western University
No classification provided (evidence only). Condition: Familial cancer of breast. Review status: no classification provided. Collection method: in vitro. Allele origin: not applicable. Functional consequence: skipped exon. Not counted in ClinVar's aggregate classification.

Dr. Peter K. Rogan Lab, Western University
No classification provided (evidence only). Condition: Colon adenocarcinoma. Review status: no classification provided. Collection method: in vitro. Allele origin: not applicable. Functional consequence: retained intron. Not counted in ClinVar's aggregate classification.

Dr. Peter K. Rogan Lab, Western University
No classification provided (evidence only). Condition: Thyroid cancer, nonmedullary, 1. Review status: no classification provided. Collection method: in vitro. Allele origin: not applicable. Functional consequence: skipped exon, retained intron. Not counted in ClinVar's aggregate classification.

Dr. Peter K. Rogan Lab, Western University
No classification provided (evidence only). Condition: Cervical cancer. Review status: no classification provided. Collection method: in vitro. Allele origin: not applicable. Functional consequence: skipped exon, retained intron. Not counted in ClinVar's aggregate classification.

Dr. Peter K. Rogan Lab, Western University
No classification provided (evidence only). Condition: Nonpapillary renal cell carcinoma. Review status: no classification provided. Collection method: in vitro. Allele origin: not applicable. Functional consequence: skipped exon. Not counted in ClinVar's aggregate classification.

NM_006219.3(PIK3CB):c.2150A>G (p.Asn717Ser)

Gene: PIK3CB (phosphatidylinositol-4,5-bisphosphate 3-kinase catalytic subunit beta; minus strand). Cytogenetic location: 3q22.3.
Variant type: single nucleotide variant.
Coding change: c.2150A>G on transcript NM_006219.3 (MANE Select); coding-DNA position 2150, A replaced by G.
Protein change: p.Asn717Ser; replaces asparagine 717 with serine.
Molecular consequence: missense variant.
Genome position (GRCh38, 1-based): chr3:138,684,790, T>C on the plus strand (A>G on the coding strand, the complement: PIK3CB is on the minus strand). VCF-style: chr3-138684790-T-C. GRCh37 (hg19) VCF-style: chr3-138403632-T-C.
Other names: NC_000003.11:g.138403632T>C; c.686A>G, p.Asn229Ser (NM_001256045.2); short protein forms N717S, N229S.
Identifiers: ClinVar variation 717584 (VCV000717584.14), dbSNP rs74701669, ClinGen allele CA2639151.